The following is an entry in ClinVar:

ClinVar aggregate classification (germline): Uncertain significance (1 of 4 stars; one submission).

Allele frequency attached by ClinVar (database versions not stated): gnomAD exomes below 0.00001.
gnomAD v4.1: 1 of 1,612,932 alleles (0.000062%); highest among the groups gnomAD compares: Non-Finnish European, 0.000085%; no homozygotes.

Submission:

GeneDx
Classification: Uncertain significance. Last evaluated: 2022-03-07. Review status: criteria provided, single submitter. Criteria: GeneDx Variant Classification Process June 2021. Collection method: clinical testing. Allele origin: germline. Affected: yes.
Comment: Not observed at significant frequency in large population cohorts (gnomAD); In silico analysis supports that this missense variant has a deleterious effect on protein structure/function; Has not been previously published as pathogenic or benign to our knowledge

NM_001170535.3(ATAD3A):c.944T>C (p.Leu315Pro)

Gene: ATAD3A (ATPase family AAA domain containing 3A; plus strand). Cytogenetic location: 1p36.33.
Variant type: single nucleotide variant.
Coding change: c.944T>C on transcript NM_001170535.3 (MANE Select); coding-DNA position 944, T replaced by C.
Protein change: p.Leu315Pro; replaces leucine 315 with proline.
Molecular consequence: missense variant.
Genome position (GRCh38, 1-based): chr1:1,523,548, T>C. VCF-style: chr1-1523548-T-C. GRCh37 (hg19) VCF-style: chr1-1458928-T-C.
Other names: c.707T>C, p.Leu236Pro (NM_001170536.3); c.1088T>C, p.Leu363Pro (NM_018188.5); short protein forms L236P, L315P, L363P.
Identifiers: ClinVar variation 1704755 (VCV001704755.2), dbSNP rs2524176462, ClinGen allele CA337856773.